The following is an entry in ClinVar:

NM_003640.5(ELP1):c.3160+1G>T

Gene: ELP1 (elongator acetyltransferase complex subunit 1; minus strand). Cytogenetic location: 9q31.3.
Variant type: single nucleotide variant.
Coding change: c.3160+1G>T on transcript NM_003640.5 (MANE Select); the canonical splice donor site of the intron after coding-DNA position 3160, G replaced by T.
Molecular consequence: splice donor variant.
Genome position (GRCh38, 1-based): chr9:108,891,202, C>A on the plus strand (G>T on the coding strand, the complement: ELP1 is on the minus strand). VCF-style: chr9-108891202-C-A. GRCh37 (hg19) VCF-style: chr9-111653482-C-A.
Other names: c.2818+1G>T (NM_001318360.2); c.2113+1G>T (NM_001330749.2).
Identifiers: ClinVar variation 1477826 (VCV001477826.6), dbSNP rs2131969608, ClinGen allele CA374415986.
Genomic context (GRCh38, chr9:108,891,202, plus strand): 5'-ACAAAAGAAATAAATTTTTTAAAACCTTTGTAGATGTAAACATATAAATGATTGTACTTA[C>A]CTGCCAGAGTTCTGCCGAGGCCCACCAGCTGGTCTTTGGTAAAGTTAAGCTGGGCTGCCA-3'

ClinVar aggregate classification (germline): Likely pathogenic (1 of 4 stars; one submission).

Submission:

Labcorp Genetics (formerly Invitae), Labcorp
Classification: Likely pathogenic. Last evaluated: 2022-05-27. Review status: criteria provided, single submitter. Criteria: Invitae Variant Classification Sherloc (09022015). Collection method: clinical testing. Allele origin: germline.
Comment: In summary, the currently available evidence indicates that the variant is pathogenic, but additional data are needed to prove that conclusively. Therefore, this variant has been classified as Likely Pathogenic. Algorithms developed to predict the effect of sequence changes on RNA splicing suggest that this variant may disrupt the consensus splice site. This variant has not been reported in the literature in individuals affected with ELP1-related conditions. This variant is not present in population databases (gnomAD no frequency). This sequence change affects a donor splice site in intron 28 of the ELP1 gene. It is expected to disrupt RNA splicing. Variants that disrupt the donor or acceptor splice site typically lead to a loss of protein function (PMID: 16199547), and loss-of-function variants in ELP1 are known to be pathogenic (PMID: 18303054, 24173031).

Literature cited by the submitters: PubMed 16199547; PubMed 18303054; PubMed 24173031.